The following is an entry in ClinVar:

NM_015509.4(NECAP1):c.436C>T (p.Arg146Cys)

Gene: NECAP1 (NECAP endocytosis associated 1; plus strand). Cytogenetic location: 12p13.31.
Variant type: single nucleotide variant.
Coding change: c.436C>T on transcript NM_015509.4 (MANE Select); coding-DNA position 436, C replaced by T.
Protein change: p.Arg146Cys; replaces arginine 146 with cysteine.
Molecular consequence: missense variant. On other transcripts: non-coding transcript variant (1).
Genome position (GRCh38, 1-based): chr12:8,092,728, C>T. VCF-style: chr12-8092728-C-T. GRCh37 (hg19) VCF-style: chr12-8245324-C-T.
Other names: short protein forms R146C.
Identifiers: ClinVar variation 967446 (VCV000967446.5), dbSNP rs1016693316, ClinGen allele CA232563656.

ClinVar aggregate classification (germline): Uncertain significance (1 of 4 stars; one submission).

Conditions:
Developmental and epileptic encephalopathy, 21 (DEE21). Also called: Early infantile epileptic encephalopathy 21. Identifiers: Orphanet 442835, MedGen C4014430, MONDO:0014360, OMIM 615833.

Allele frequency attached by ClinVar (database versions not stated): gnomAD 0.00002 and 0.00003; gnomAD exomes 0.00002; TOPMed 0.00004.
gnomAD v4.1: 38 of 1,613,698 alleles (0.0024%); highest among the groups gnomAD compares: African/African-American, 0.004%; no homozygotes.

Submission:

Labcorp Genetics (formerly Invitae), Labcorp
Classification: Uncertain significance for Developmental and epileptic encephalopathy, 21. Last evaluated: 2022-10-17. Review status: criteria provided, single submitter. Criteria: Invitae Variant Classification Sherloc (09022015). Collection method: clinical testing. Allele origin: germline.
Comment: This sequence change replaces arginine, which is basic and polar, with cysteine, which is neutral and slightly polar, at codon 146 of the NECAP1 protein (p.Arg146Cys). This variant is present in population databases (no rsID available, gnomAD 0.007%). This variant has not been reported in the literature in individuals affected with NECAP1-related conditions. ClinVar contains an entry for this variant (Variation ID: 967446). Algorithms developed to predict the effect of missense changes on protein structure and function are either unavailable or do not agree on the potential impact of this missense change (SIFT: "Deleterious"; PolyPhen-2: "Benign"; Align-GVGD: "Class C15"). In summary, the available evidence is currently insufficient to determine the role of this variant in disease. Therefore, it has been classified as a Variant of Uncertain Significance.